The following is an entry in ClinVar:

ClinVar aggregate classification (germline): Uncertain significance (1 of 4 stars; one submission).

Conditions:
Early-infantile DEE. Also called: Ohtahara syndrome; Early infantile epileptic encephalopathy with suppression bursts; Early infantile epileptic encephalopathy. Identifiers: Orphanet 1934, MedGen C0393706, MONDO:0800491.

Allele frequency attached by ClinVar (database versions not stated): TOPMed 0.00002.

Submission:

Labcorp Genetics (formerly Invitae), Labcorp
Classification: Uncertain significance for Early-infantile DEE. Last evaluated: 2024-05-15. Review status: criteria provided, single submitter. Criteria: Invitae Variant Classification Sherloc (09022015). Collection method: clinical testing. Allele origin: germline.
Comment: This sequence change falls in intron 20 of the SCN1A gene. It does not directly change the encoded amino acid sequence of the SCN1A protein. However, this sequence change falls within a region encompassing a cryptic exon in the SCN1A gene, in which variants have been shown to alter splicing (PMID: 30526861, 34107977). This variant is not present in population databases (gnomAD no frequency). This variant has not been reported in the literature in individuals affected with SCN1A-related conditions. ClinVar contains an entry for this variant (Variation ID: 1642082). Algorithms developed to predict the effect of sequence changes on RNA splicing suggest that this variant is not likely to affect RNA splicing. In summary, the available evidence is currently insufficient to determine the role of this variant in disease. Therefore, it has been classified as a Variant of Uncertain Significance.

Literature cited by the submitters: PubMed 30526861; PubMed 34107977.

NM_001165963.4(SCN1A):c.4002+2203G>A

Genes: SCN1A (sodium voltage-gated channel alpha subunit 1; minus strand), LOC102724058 (uncharacterized LOC102724058; plus strand). Cytogenetic location: 2q24.3.
Variant type: single nucleotide variant.
Coding change: c.4002+2203G>A on transcript NM_001165963.4 (MANE Select); 2203 bases into the intron after coding-DNA position 4002, G replaced by A.
Molecular consequence: intron variant.
Genome position (GRCh38, 1-based): chr2:166,007,516, C>T on the plus strand (G>A on the coding strand, the complement: SCN1A is on the minus strand). VCF-style: chr2-166007516-C-T. GRCh37 (hg19) VCF-style: chr2-166864026-C-T.
Other names: c.3969+2203G>A (NM_001353949.2, NM_001353950.2, NM_001353951.2 and 2 more transcripts); c.3918+2203G>A (NM_001353958.2, NM_001353957.2, NM_001165964.3); c.4002+2203G>A (NM_001202435.3, NM_001353948.2); c.3966+2203G>A (NM_001353955.2, NM_001353954.2); c.3915+2203G>A (NM_001353960.2); c.1560+2203G>A (NM_001353961.2).
Identifiers: ClinVar variation 1642082 (VCV001642082.9), dbSNP rs1375615632, ClinGen allele CA760220857.